The following is an entry in ClinVar:

ClinVar aggregate classification (germline): Pathogenic (1 of 4 stars; one submission).

Conditions:
Fanconi anemia complementation group O. Also called: RAD51C-Related Fanconi Anemia. Identifiers: Orphanet 84, MedGen C3150653, MONDO:0013248, OMIM 613390.

Submission:

Labcorp Genetics (formerly Invitae), Labcorp
Classification: Pathogenic for Fanconi anemia complementation group O. Last evaluated: 2022-06-13. Review status: criteria provided, single submitter. Criteria: Invitae Variant Classification Sherloc (09022015). Collection method: clinical testing. Allele origin: germline.
Comment: For these reasons, this variant has been classified as Pathogenic. This variant has not been reported in the literature in individuals affected with RAD51C-related conditions. This variant is not present in population databases (gnomAD no frequency). This sequence change creates a premature translational stop signal (p.Pro247Hisfs*6) in the RAD51C gene. It is expected to result in an absent or disrupted protein product. Loss-of-function variants in RAD51C are known to be pathogenic (PMID: 20400964, 21990120, 24800917).

Literature cited by the submitters: PubMed 20400964; PubMed 21990120; PubMed 24800917.

NM_058216.3(RAD51C):c.738del (p.Pro247fs)

Gene: RAD51C (RAD51 paralog C; plus strand). Cytogenetic location: 17q22.
Variant type: Deletion.
Coding change: c.738del on transcript NM_058216.3 (MANE Select); coding-DNA position 738, one base deleted (T; older notation c.738delT).
Protein change: p.Pro247fs; shifts the reading frame from proline 247.
Molecular consequence: frameshift variant. On other transcripts: non-coding transcript variant (1).
Genome position (GRCh38, 1-based): chr17:58,709,891, T deleted; the last of 4 consecutive T bases (chr17:58,709,888-58,709,891); deleting any one gives the same sequence. VCF-style (leftmost placement, unchanged base first): chr17-58709887-CT-C. GRCh37 (hg19) VCF-style: chr17-56787248-CT-C.
Other names: c.*166delT (NM_058217.1); short protein forms P247fs.
Identifiers: ClinVar variation 2005693 (VCV002005693.4), dbSNP rs2509312994, ClinGen allele CA2580094342.